The following is an entry in ClinVar:

ClinVar aggregate classification (germline): Uncertain significance (1 of 4 stars; one submission).

Conditions:
Severe early-onset pulmonary alveolar proteinosis due to MARS deficiency. Also called: PULMONARY ALVEOLAR PROTEINOSIS, REUNION ISLAND; Interstitial lung and liver disease. Identifiers: Orphanet 440427, MedGen C4225400, MONDO:0014206, OMIM 615486.
Charcot-Marie-Tooth disease axonal type 2U. Also called: CHARCOT-MARIE-TOOTH NEUROPATHY, TYPE 2U; CHARCOT-MARIE-TOOTH DISEASE, AXONAL, AUTOSOMAL DOMINANT, TYPE 2U. Identifiers: Orphanet 397735, MedGen C4084821, MONDO:0014566, OMIM 616280.

Allele frequency attached by ClinVar (database versions not stated): gnomAD exomes below 0.00001.
gnomAD v4.1: 1 of 1,614,224 alleles (0.000062%); highest among the groups gnomAD compares: Non-Finnish European, 0.000085%; no homozygotes.

Submission:

Labcorp Genetics (formerly Invitae), Labcorp
Classification: Uncertain significance for Charcot-Marie-Tooth disease axonal type 2U; Severe early-onset pulmonary alveolar proteinosis due to MARS deficiency. Last evaluated: 2023-11-04. Review status: criteria provided, single submitter. Criteria: Invitae Variant Classification Sherloc (09022015). Collection method: clinical testing. Allele origin: germline.
Comment: This sequence change replaces cysteine, which is neutral and slightly polar, with arginine, which is basic and polar, at codon 389 of the MARS protein (p.Cys389Arg). This variant is not present in population databases (gnomAD no frequency). This variant has not been reported in the literature in individuals affected with MARS-related conditions. ClinVar contains an entry for this variant (Variation ID: 2170531). An algorithm developed to predict the effect of missense changes on protein structure and function (PolyPhen-2) suggests that this variant is likely to be disruptive. In summary, the available evidence is currently insufficient to determine the role of this variant in disease. Therefore, it has been classified as a Variant of Uncertain Significance.

NM_004990.4(MARS1):c.1165T>C (p.Cys389Arg)

Gene: MARS1 (methionyl-tRNA synthetase 1; plus strand). Cytogenetic location: 12q13.3.
Variant type: single nucleotide variant.
Coding change: c.1165T>C on transcript NM_004990.4 (MANE Select); coding-DNA position 1165, T replaced by C.
Protein change: p.Cys389Arg; replaces cysteine 389 with arginine.
Molecular consequence: missense variant.
Genome position (GRCh38, 1-based): chr12:57,500,394, T>C. VCF-style: chr12-57500394-T-C. GRCh37 (hg19) VCF-style: chr12-57894177-T-C.
Other names: short protein forms C389R.
Identifiers: ClinVar variation 2170531 (VCV002170531.4), dbSNP rs2540290888, ClinGen allele CA385457869.